The following is an entry in ClinVar:

NM_006662.3(SRCAP):c.9600C>T (p.Thr3200=)

Gene: SRCAP (Snf2 related CREBBP activator protein; plus strand). Cytogenetic location: 16p11.2.
Variant type: single nucleotide variant.
Coding change: c.9600C>T on transcript NM_006662.3 (MANE Select); coding-DNA position 9600, C replaced by T.
Protein change: p.Thr3200=; no amino-acid change (threonine 3200 retained).
Molecular consequence: synonymous variant.
Genome position (GRCh38, 1-based): chr16:30,739,640, C>T. VCF-style: chr16-30739640-C-T. GRCh37 (hg19) VCF-style: chr16-30750961-C-T.
Identifiers: ClinVar variation 4822522 (VCV004822522.4).
Genomic context (GRCh38, chr16:30,739,640, plus strand): 5'-GGAGGAAGGGGATGGGACCCCACGCCGACGTCCTGGCCCCCGCCGGCTTGTTGGGACCAC[C>T]AACCAAGGGGACCAGCGCATCCTGCGCAGCAGCGCCCCTCCCTCCCTGGCTGGCCCTGCT-3'
Protein context (NP_006653.2, residues 3190-3210): RPGPRRLVGT[Thr3200=]NQGDQRILRS

ClinVar aggregate classification (germline): Likely benign (1 of 4 stars; one submission).

Submission:

CeGaT Center for Human Genetics Tuebingen
Classification: Likely benign. Last evaluated: 2026-01-01. Review status: criteria provided, single submitter. Criteria: CeGaT Center For Human Genetics Tuebingen Variant Classification Criteria Version 2. Collection method: clinical testing. Allele origin: germline. Affected: yes. Observed: 1 variant allele.
Comment: SRCAP: PM2:Supporting, BP4, BP7